The following is an entry in ClinVar:

ClinVar aggregate classification (germline): Likely pathogenic (1 of 4 stars; one submission).

Conditions:
SETX-related disorder. Also called: SETX-related condition; SETX-related disorders. Identifiers: MedGen CN239403.

Submission:

PreventionGenetics, part of Exact Sciences
Classification: Likely pathogenic for SETX-related condition. Last evaluated: 2026-02-02. Review status: criteria provided, single submitter. Criteria: ACMG Guidelines, 2015. Collection method: clinical testing. Allele origin: germline.
Comment: The SETX c.917delG variant is predicted to result in a frameshift and premature protein termination (p.Gly306Valfs*31). To our knowledge, this variant has not been reported in the literature or in a large population database (gnomAD), indicating this variant is rare. Frameshift variants in SETX are expected to be pathogenic. This variant is interpreted as likely pathogenic.

NM_015046.7(SETX):c.917del (p.Gly306fs)

Gene: SETX (senataxin; minus strand). Cytogenetic location: 9q34.13.
Variant type: Deletion.
Coding change: c.917del on transcript NM_015046.7 (MANE Select); coding-DNA position 917, one base deleted (G; older notation c.917delG).
Protein change: p.Gly306fs; shifts the reading frame from glycine 306.
Molecular consequence: frameshift variant.
Genome position (GRCh38, 1-based): chr9:132,331,370, C deleted on the plus strand (G on the coding strand, the reverse complement: SETX is on the minus strand); the first of 4 consecutive C bases (chr9:132,331,370-132,331,373); deleting any one gives the same sequence. VCF-style (leftmost placement, unchanged base first): chr9-132331369-AC-A. GRCh37 (hg19) VCF-style: chr9-135206756-AC-A.
Other names: c.917del, p.Gly306fs (NM_001351527.2, NM_001351528.2); c.917delG (NM_015046.5); short protein forms G306fs.
Identifiers: ClinVar variation 4992815 (VCV004992815.1).